The following is an entry in ClinVar:

NM_000257.4(MYH7):c.5589G>A (p.Arg1863=)

Gene: MYH7 (myosin heavy chain 7; minus strand). Cytogenetic location: 14q11.2.
Variant type: single nucleotide variant.
Coding change: c.5589G>A on transcript NM_000257.4 (MANE Select); coding-DNA position 5589, G replaced by A.
Protein change: p.Arg1863=; no amino-acid change (arginine 1863 retained).
Molecular consequence: synonymous variant.
Genome position (GRCh38, 1-based): chr14:23,414,073, C>T on the plus strand (G>A on the coding strand, the complement: MYH7 is on the minus strand). VCF-style: chr14-23414073-C-T. GRCh37 (hg19) VCF-style: chr14-23883282-C-T.
Identifiers: ClinVar variation 1610241 (VCV001610241.12), dbSNP rs768534661, ClinGen allele CA047584.
Genomic context (GRCh38, chr14:23,414,073, plus strand): 5'-CTCGGCCTGGCGCTTGTAGGCCTTGACCTTTAGCTGCAGCTTGTCTACCAGGTCCTGCAG[C>T]CGCAGCAGGTTTTTCCTGTCCTCCTCCGTCTGGGGGCCAGAGGGTAGGCAGGGGGTGAAG-3'
Protein context (NP_000248.2, residues 1853-1873): QTEEDRKNLL[Arg1863=]LQDLVDKLQL

ClinVar aggregate classification (germline): Likely benign. Review status: criteria provided, multiple submitters, no conflicts (2 of 4 stars). 4 submissions from 4 submitters: Likely benign (4). Last evaluated 2026-01-22.

Conditions:
Hypertrophic cardiomyopathy. Also called: HYPERTROPHIC MYOCARDIOPATHY. Identifiers: Orphanet 217569, MedGen C0007194, MeSH D002312, MONDO:0005045, HP:0001639.
Cardiovascular phenotype. Identifiers: MedGen CN230736.
Cardiomyopathy (CMYO). Also called: Cardiomyopathies. Identifiers: Orphanet 167848, MedGen C0878544, MONDO:0004994, HP:0001638. Inheritance: Various modes of inheritance.

Allele frequency attached by ClinVar (database versions not stated): TOPMed below 0.00001.
gnomAD v4.1: 6 of 1,613,806 alleles (0.00037%); highest among the groups gnomAD compares: Admixed American, 0.01%; no homozygotes.

Submissions (4):

Labcorp Genetics (formerly Invitae), Labcorp
Classification: Likely benign for Hypertrophic cardiomyopathy. Last evaluated: 2026-01-22. Review status: criteria provided, single submitter. Criteria: Invitae Variant Classification Sherloc (09022015). Collection method: clinical testing. Allele origin: germline.

All of Us Research Program, National Institutes of Health
Classification: Likely benign for Cardiomyopathy. Last evaluated: 2024-05-30. Review status: criteria provided, single submitter. Criteria: ACMG Guidelines, 2015. Collection method: clinical testing. Allele origin: germline. Inheritance: Autosomal dominant inheritance. Observed: 1 variant allele, 1 heterozygote.
Comment: This study involves interpretation of variants in research participants for the purpose of population health screening. Participant phenotype was not available at the time of variant classification. Additional details can be found in publication PMID: 35346344, PMCID: PMC8962531

Blueprint Genetics
Classification: Likely benign. Last evaluated: 2023-08-01. Review status: criteria provided, single submitter. Criteria: ACMG Guidelines, 2015. Collection method: clinical testing. Allele origin: germline.

Ambry Genetics
Classification: Likely benign for Cardiovascular phenotype. Last evaluated: 2019-12-30. Review status: criteria provided, single submitter. Criteria: Ambry Variant Classification Scheme 2023. Collection method: clinical testing. Allele origin: germline.